The following is an entry in ClinVar:

NM_015046.7(SETX):c.6106G>A (p.Gly2036Arg)

Gene: SETX (senataxin; minus strand). Cytogenetic location: 9q34.13.
Variant type: single nucleotide variant.
Coding change: c.6106G>A on transcript NM_015046.7 (MANE Select); coding-DNA position 6106, G replaced by A.
Protein change: p.Gly2036Arg; replaces glycine 2036 with arginine.
Molecular consequence: missense variant.
Genome position (GRCh38, 1-based): chr9:132,295,872, C>T on the plus strand (G>A on the coding strand, the complement: SETX is on the minus strand). VCF-style: chr9-132295872-C-T. GRCh37 (hg19) VCF-style: chr9-135171259-C-T.
Other names: c.6106G>A, p.Gly2036Arg (NM_001351527.2, NM_001351528.2); short protein forms G2036R.
Identifiers: ClinVar variation 242505 (VCV000242505.6), dbSNP rs863224919, ClinGen allele CA351323.

ClinVar aggregate classification (germline): Likely pathogenic. Review status: criteria provided, single submitter (1 of 4 stars). 4 submissions from 4 submitters: Likely pathogenic (1). 3 of the submissions do not count toward it. Last evaluated 2025-03-31.

Conditions:
Spinocerebellar ataxia, autosomal recessive, with axonal neuropathy 2 (SCAN2). Also called: Ataxia-ocular apraxia-2; ATAXIA-OCULOMOTOR APRAXIA 2; Ataxia with Oculomotor Apraxia; Ataxia with Oculomotor Apraxia Type 2. Identifiers: Orphanet 64753, MedGen C1853761, MONDO:0018996, OMIM 606002.

Allele frequency attached by ClinVar (database versions not stated): gnomAD exomes below 0.00001 and 0.00001; TOPMed below 0.00001; gnomAD 0.00002.
gnomAD v4.1: 11 of 1,612,462 alleles (0.00068%); highest among the groups gnomAD compares: Non-Finnish European, 0.00093%; no homozygotes.

Submissions (4):

Department of Human Genetics, Hannover Medical School
Classification: Likely pathogenic for Spinocerebellar ataxia, autosomal recessive, with axonal neuropathy 2. Last evaluated: 2025-03-31. Review status: criteria provided, single submitter. Criteria: ACMG Guidelines, 2015. Collection method: clinical testing. Allele origin: germline. Affected: yes.
Comment: ACMG: PM2_Supporting, PM3_Strong, PP1_Moderate, PP3

Clinical Genetics Laboratory, University Hospital Schleswig-Holstein
Classification: Likely pathogenic for Spinocerebellar ataxia, autosomal recessive, with axonal neuropathy 2. Last evaluated: 2024-06-03. Review status: no assertion criteria provided. Collection method: clinical testing. Allele origin: biparental. Affected: yes. Not counted in ClinVar's aggregate classification.

Clinical Genetics DNA and cytogenetics Diagnostics Lab, Erasmus MC, Erasmus Medical Center
Classification: Pathogenic. Review status: no assertion criteria provided. Collection method: clinical testing. Allele origin: germline. Affected: yes. Study: VKGL Data-share Consensus. Not counted in ClinVar's aggregate classification.

Joint Genome Diagnostic Labs from Nijmegen and Maastricht, Radboudumc and MUMC+
Classification: Pathogenic. Review status: no assertion criteria provided. Collection method: clinical testing. Allele origin: germline. Affected: yes. Study: VKGL Data-share Consensus. Not counted in ClinVar's aggregate classification.